The following is an entry in ClinVar:

NM_004963.4(GUCY2C):c.2005A>G (p.Ile669Val)

Gene: GUCY2C (guanylate cyclase 2C; minus strand). Cytogenetic location: 12p12.3.
Variant type: single nucleotide variant.
Coding change: c.2005A>G on transcript NM_004963.4 (MANE Select); coding-DNA position 2005, A replaced by G.
Protein change: p.Ile669Val; replaces isoleucine 669 with valine.
Molecular consequence: missense variant.
Genome position (GRCh38, 1-based): chr12:14,641,145, T>C on the plus strand (A>G on the coding strand, the complement: GUCY2C is on the minus strand). VCF-style: chr12-14641145-T-C. GRCh37 (hg19) VCF-style: chr12-14794079-T-C.
Other names: short protein forms I669V.
Identifiers: ClinVar variation 1444721 (VCV001444721.6), dbSNP rs758364719, ClinGen allele CA6463217.
Genomic context (GRCh38, chr12:14,641,145, plus strand): 5'-TCCGGTCCCGACAGCTCAAAGTGTAGAAGGTTTCTTTCCGCAGGATGATCTCCTGTGCGA[T>C]GATCCCATAGCTGTACACATCTCCTTTCTGAGAGATGTTGGCTTGGCGGAGGTGCTCTGG-3'
Protein context (NP_004954.2, residues 659-679): QKGDVYSYGI[Ile669Val]AQEIILRKET

ClinVar aggregate classification (germline): Uncertain significance (1 of 4 stars; one submission).

Allele frequency attached by ClinVar (database versions not stated): gnomAD exomes below 0.00001 and 0.00002; gnomAD 0.00001; ExAC 0.00002.
gnomAD v4.1: 6 of 1,613,698 alleles (0.00037%); highest among the groups gnomAD compares: East Asian, 0.0089%; no homozygotes.

Submission:

Labcorp Genetics (formerly Invitae), Labcorp
Classification: Uncertain significance. Last evaluated: 2023-01-28. Review status: criteria provided, single submitter. Criteria: Invitae Variant Classification Sherloc (09022015). Collection method: clinical testing. Allele origin: germline.
Comment: ClinVar contains an entry for this variant (Variation ID: 1444721). This variant has not been reported in the literature in individuals affected with GUCY2C-related conditions. This variant is present in population databases (rs758364719, gnomAD 0.03%). This sequence change replaces isoleucine, which is neutral and non-polar, with valine, which is neutral and non-polar, at codon 669 of the GUCY2C protein (p.Ile669Val). Advanced modeling of protein sequence and biophysical properties (such as structural, functional, and spatial information, amino acid conservation, physicochemical variation, residue mobility, and thermodynamic stability) performed at Invitae indicates that this missense variant is not expected to disrupt GUCY2C protein function. In summary, the available evidence is currently insufficient to determine the role of this variant in disease. Therefore, it has been classified as a Variant of Uncertain Significance.